The following is an entry in ClinVar:

NM_024665.7(TBL1XR1):c.1171A>G (p.Asn391Asp)

Gene: TBL1XR1 (TBL1X/Y related 1; minus strand). Cytogenetic location: 3q26.32.
Variant type: single nucleotide variant.
Coding change: c.1171A>G on transcript NM_024665.7 (MANE Select); coding-DNA position 1171, A replaced by G.
Protein change: p.Asn391Asp; replaces asparagine 391 with aspartic acid.
Molecular consequence: missense variant.
Genome position (GRCh38, 1-based): chr3:177,034,277, T>C on the plus strand (A>G on the coding strand, the complement: TBL1XR1 is on the minus strand). VCF-style: chr3-177034277-T-C. GRCh37 (hg19) VCF-style: chr3-176752065-T-C.
Other names: c.1171A>G, p.Asn391Asp (NM_001321193.3, NM_001321194.3, NM_001374327.1 and 2 more transcripts); c.910A>G, p.Asn304Asp (NM_001321195.3, NM_001374330.1); short protein forms N391D, N304D.
Identifiers: ClinVar variation 2133764 (VCV002133764.4), dbSNP rs749005513, ClinGen allele CA2709820.

ClinVar aggregate classification (germline): Uncertain significance (1 of 4 stars; one submission).

Conditions:
Pierpont syndrome (PRPTS). Identifiers: Orphanet 487825, MedGen C1865644, MONDO:0011213, OMIM 602342.

Allele frequency attached by ClinVar (database versions not stated): gnomAD exomes below 0.00001; ExAC 0.00001; gnomAD 0.00001.
gnomAD v4.1: 3 of 1,598,496 alleles (0.00019%); highest among the groups gnomAD compares: African/African-American, 0.0041%; no homozygotes.

Submission:

Labcorp Genetics (formerly Invitae), Labcorp
Classification: Uncertain significance for Pierpont syndrome. Last evaluated: 2022-05-04. Review status: criteria provided, single submitter. Criteria: Invitae Variant Classification Sherloc (09022015). Collection method: clinical testing. Allele origin: germline.
Comment: Advanced modeling of protein sequence and biophysical properties (such as structural, functional, and spatial information, amino acid conservation, physicochemical variation, residue mobility, and thermodynamic stability) performed at Invitae indicates that this missense variant is not expected to disrupt TBL1XR1 protein function. In summary, the available evidence is currently insufficient to determine the role of this variant in disease. Therefore, it has been classified as a Variant of Uncertain Significance. This variant has not been reported in the literature in individuals affected with TBL1XR1-related conditions. This variant is present in population databases (rs749005513, gnomAD 0.01%). This sequence change replaces asparagine, which is neutral and polar, with aspartic acid, which is acidic and polar, at codon 391 of the TBL1XR1 protein (p.Asn391Asp).